The following is an entry in ClinVar:

NM_014855.3(AP5Z1):c.815C>G (p.Ser272Cys)

Gene: AP5Z1 (adaptor related protein complex 5 subunit zeta 1; plus strand). Cytogenetic location: 7p22.1.
Variant type: single nucleotide variant.
Coding change: c.815C>G on transcript NM_014855.3 (MANE Select); coding-DNA position 815, C replaced by G.
Protein change: p.Ser272Cys; replaces serine 272 with cysteine.
Molecular consequence: missense variant. On other transcripts: non-coding transcript variant (1).
Genome position (GRCh38, 1-based): chr7:4,784,932, C>G. VCF-style: chr7-4784932-C-G. GRCh37 (hg19) VCF-style: chr7-4824563-C-G.
Other names: c.347C>G, p.Ser116Cys (NM_001364858.1); short protein forms S116C, S272C.
Identifiers: ClinVar variation 858048 (VCV000858048.9), dbSNP rs745607941, ClinGen allele CA4137408.

ClinVar aggregate classification (germline): Uncertain significance (1 of 4 stars; one submission).

Conditions:
Hereditary spastic paraplegia 48. Also called: Spastic paraplegia 48; SPASTIC PARAPLEGIA 48, AUTOSOMAL RECESSIVE. Identifiers: Orphanet 306511, MedGen C3150901, MONDO:0013342, OMIM 613647.

Allele frequency attached by ClinVar (database versions not stated): TOPMed below 0.00001; gnomAD 0.00001.
gnomAD v4.1: 10 of 1,611,816 alleles (0.00062%); highest among the groups gnomAD compares: Non-Finnish European, 0.00085%; no homozygotes.

Submission:

Labcorp Genetics (formerly Invitae), Labcorp
Classification: Uncertain significance for Hereditary spastic paraplegia 48. Last evaluated: 2019-11-19. Review status: criteria provided, single submitter. Criteria: Invitae Variant Classification Sherloc (09022015). Collection method: clinical testing. Allele origin: germline.
Comment: This sequence change replaces serine with cysteine at codon 272 of the AP5Z1 protein (p.Ser272Cys). The serine residue is highly conserved and there is a moderate physicochemical difference between serine and cysteine. This variant is present in population databases (rs745607941, ExAC 0.002%). In summary, the available evidence is currently insufficient to determine the role of this variant in disease. Therefore, it has been classified as a Variant of Uncertain Significance. Algorithms developed to predict the effect of missense changes on protein structure and function are either unavailable or do not agree on the potential impact of this missense change (SIFT: "Deleterious"; PolyPhen-2: "Probably Damaging"; Align-GVGD: "Class C0"). This variant has not been reported in the literature in individuals with AP5Z1-related conditions.